The following is an entry in ClinVar:

NM_004991.4(MECOM):c.739C>T (p.Gln247Ter)

Gene: MECOM (MDS1 and EVI1 complex locus; minus strand). Cytogenetic location: 3q26.2.
Variant type: single nucleotide variant.
Coding change: c.739C>T on transcript NM_004991.4 (MANE Select); coding-DNA position 739, C replaced by T.
Protein change: p.Gln247Ter; replaces glutamine 247 with a stop codon.
Molecular consequence: nonsense.
Genome position (GRCh38, 1-based): chr3:169,127,935, G>A on the plus strand (C>T on the coding strand, the complement: MECOM is on the minus strand). VCF-style: chr3-169127935-G-A. GRCh37 (hg19) VCF-style: chr3-168845723-G-A.
Other names: c.175C>T, p.Gln59Ter (NM_001366467.2, NM_001366468.2, NM_001366469.2 and 9 more transcripts); c.739C>T, p.Gln247Ter (NM_001366473.2, NM_001366466.2); c.367C>T, p.Gln123Ter (NM_001105077.4); short protein forms Q123*, Q247*, Q59*.
Identifiers: ClinVar variation 1703774 (VCV001703774.2), dbSNP rs1240852654, ClinGen allele CA355069934.
Genomic context (GRCh38, chr3:169,127,935, plus strand): 5'-CCTTACACTCCTGGATCGTGTGTATCTCTTGGAGATCATTCTCGCTTTCGAGTTTTTGCT[G>A]AAAGTCCTCTTCAACCATTGAAAATGCTGAGTGAGGAGTACTGCATGGAAACTTTTGGTG-3'

ClinVar aggregate classification (germline): Likely pathogenic (1 of 4 stars; one submission).

Conditions:
Radioulnar synostosis with amegakaryocytic thrombocytopenia 2 (RUSAT2). Also called: RADIOULNAR SYNOSTOSIS AND AMEGAKARYOCYTIC THROMBOCYTOPENIA 2. Identifiers: Orphanet 71289, MedGen C4225221, MONDO:0014758, OMIM 616738.

Submission:

ISTH-SSC Genomics in Thrombosis and Hemostasis, KU Leuven, Center for Molecular and Vascular Biology
Classification: Likely pathogenic for Radioulnar synostosis with amegakaryocytic thrombocytopenia 2. Review status: criteria provided, single submitter. Criteria: ACMG Guidelines, 2015. Collection method: clinical testing. Allele origin: germline. Affected: yes. Observed: 1 heterozygote.
Comment: Submitted to GoldVariant by Jose María Bastida and José Rivera; Grupo Español de Alteraciones Plaquetarias Congénitas (GEAPC)